The following is an entry in ClinVar:

ClinVar aggregate classification (germline): Uncertain significance (1 of 4 stars; one submission).

Conditions:
Hereditary cancer-predisposing syndrome. Also called: Neoplastic Syndromes, Hereditary; Hereditary Cancer Syndrome; Hereditary neoplastic syndrome; Tumor predisposition. Identifiers: Orphanet 140162, MedGen C0027672, MeSH D009386, MONDO:0015356.

Submission:

Ambry Genetics
Classification: Uncertain significance for Hereditary cancer-predisposing syndrome. Last evaluated: 2023-03-19. Review status: criteria provided, single submitter. Criteria: Ambry Variant Classification Scheme 2023. Collection method: clinical testing. Allele origin: germline.
Comment: The p.I423F variant (also known as c.1267A>T), located in coding exon 10 of the POT1 gene, results from an A to T substitution at nucleotide position 1267. The isoleucine at codon 423 is replaced by phenylalanine, an amino acid with highly similar properties. This amino acid position is conserved. In addition, this alteration is predicted to be tolerated by in silico analysis. Since supporting evidence is limited at this time, the clinical significance of this alteration remains unclear.

NM_015450.3(POT1):c.1267A>T (p.Ile423Phe)

Gene: POT1 (protection of telomeres 1; minus strand). Cytogenetic location: 7q31.33.
Variant type: single nucleotide variant.
Coding change: c.1267A>T on transcript NM_015450.3 (MANE Select); coding-DNA position 1267, A replaced by T.
Protein change: p.Ile423Phe; replaces isoleucine 423 with phenylalanine.
Molecular consequence: missense variant. On other transcripts: non-coding transcript variant (3).
Genome position (GRCh38, 1-based): chr7:124,841,075, T>A on the plus strand (A>T on the coding strand, the complement: POT1 is on the minus strand). VCF-style: chr7-124841075-T-A. GRCh37 (hg19) VCF-style: chr7-124481129-T-A.
Other names: c.874A>T, p.Ile292Phe (NM_001042594.2); short protein forms I423F, I292F.
Identifiers: ClinVar variation 2565245 (VCV002565245.2), dbSNP rs2485394827, ClinGen allele CA369067267.